The following is an entry in ClinVar:

ClinVar aggregate classification (germline): Uncertain significance (1 of 4 stars; one submission).

Conditions:
ABCA1-related disorder. Also called: ABCA1-related disorders; ABCA1-related condition. Identifiers: MedGen CN239173.

gnomAD v4.1: 1 of 1,614,100 alleles (0.000062%); highest among the groups gnomAD compares: East Asian, 0.0022%; no homozygotes.

Submission:

PreventionGenetics, part of Exact Sciences
Classification: Uncertain significance for ABCA1-related condition. Last evaluated: 2026-05-27. Review status: criteria provided, single submitter. Criteria: ACMG Guidelines, 2015. Collection method: clinical testing. Allele origin: germline.
Comment: The ABCA1 c.6079T>C variant is predicted to result in the amino acid substitution p.Trp2027Arg. To our knowledge, this variant has not been reported in the literature. This variant is reported in 0.0054% of alleles in individuals of East Asian descent in gnomAD. At this time, the clinical significance of this variant is uncertain due to the absence of conclusive functional and genetic evidence.

NM_005502.4(ABCA1):c.6079T>C (p.Trp2027Arg)

Genes: ABCA1 (ATP binding cassette subfamily A member 1; minus strand), NIPSNAP3B (nipsnap homolog 3B; plus strand). Cytogenetic location: 9q31.1.
Variant type: single nucleotide variant.
Coding change: c.6079T>C on transcript NM_005502.4 (MANE Select); coding-DNA position 6079, T replaced by C.
Protein change: p.Trp2027Arg; replaces tryptophan 2027 with arginine.
Molecular consequence: missense variant.
Genome position (GRCh38, 1-based): chr9:104,788,045, A>G on the plus strand (T>C on the coding strand, the complement: ABCA1 is on the minus strand). VCF-style: chr9-104788045-A-G. GRCh37 (hg19) VCF-style: chr9-107550326-A-G.
Other names: short protein forms W2027R.
Identifiers: ClinVar variation 4991864 (VCV004991864.1).